The following is an entry in ClinVar:

ClinVar aggregate classification (germline): Likely benign (0 of 4 stars; one submission).

Conditions:
SLC6A20-related disorder. Also called: SLC6A20-related condition.

Allele frequency attached by ClinVar (database versions not stated): ExAC 0.00030; ESP Exome Variant Server 0.00031.
gnomAD v4.1: 385 of 1,614,122 alleles (0.024%); highest among the groups gnomAD compares: Non-Finnish European, 0.023%; 1 homozygote.

Submission:

PreventionGenetics, part of Exact Sciences
Classification: Likely benign for SLC6A20-related condition. Last evaluated: 2019-09-17. Review status: no assertion criteria provided. Collection method: clinical testing. Allele origin: germline.
Comment: This variant is classified as likely benign based on ACMG/AMP sequence variant interpretation guidelines (Richards et al. 2015 PMID: 25741868, with internal and published modifications).

NM_020208.4(SLC6A20):c.780C>A (p.Ile260=)

Gene: SLC6A20 (solute carrier family 6 member 20; minus strand). Cytogenetic location: 3p21.31.
Variant type: single nucleotide variant.
Coding change: c.780C>A on transcript NM_020208.4 (MANE Select); coding-DNA position 780, C replaced by A.
Protein change: p.Ile260=; no amino-acid change (isoleucine 260 retained).
Molecular consequence: synonymous variant. On other transcripts: non-coding transcript variant (2).
Genome position (GRCh38, 1-based): chr3:45,771,372, G>T on the plus strand (C>A on the coding strand, the complement: SLC6A20 is on the minus strand). VCF-style: chr3-45771372-G-T. GRCh37 (hg19) VCF-style: chr3-45812864-G-T.
Other names: c.813C>A, p.Ile271= (NM_001385683.1); c.780C>A, p.Ile260= (NM_001406066.1); c.639C>A, p.Ile213= (NM_001406067.1); c.669C>A, p.Ile223= (NM_001406069.1, NM_022405.4).
Identifiers: ClinVar variation 3039883 (VCV003039883.2), dbSNP rs139609335, ClinGen allele CA2351500.